The following is an entry in ClinVar:

NM_001987.5(ETV6):c.1285G>T (p.Gly429Cys)

Gene: ETV6 (ETS variant transcription factor 6; plus strand). Cytogenetic location: 12p13.2.
Variant type: single nucleotide variant.
Coding change: c.1285G>T on transcript NM_001987.5 (MANE Select); coding-DNA position 1285, G replaced by T.
Protein change: p.Gly429Cys; replaces glycine 429 with cysteine.
Molecular consequence: missense variant. On other transcripts: 3 prime UTR variant (1).
Genome position (GRCh38, 1-based): chr12:11,890,972, G>T. VCF-style: chr12-11890972-G-T. GRCh37 (hg19) VCF-style: chr12-12043906-G-T.
Other names: c.1282G>T, p.Gly428Cys (NM_001413913.1); c.1258G>T, p.Gly420Cys (NM_001413914.1); c.1021G>T, p.Gly341Cys (NM_001413915.1); c.*24G>T (NM_001413917.1); short protein forms G429C, G341C, G420C, G428C.
Identifiers: ClinVar variation 3846528 (VCV003846528.1).

ClinVar aggregate classification (germline): Uncertain significance (1 of 4 stars; one submission).

Conditions:
Inborn genetic diseases. Identifiers: MedGen C0950123, MeSH D030342.

Submission:

Ambry Genetics
Classification: Uncertain significance for Inborn genetic diseases. Last evaluated: 2025-02-03. Review status: criteria provided, single submitter. Criteria: Ambry Variant Classification Scheme 2023. Collection method: clinical testing. Allele origin: germline.
Comment: The p.G429C variant (also known as c.1285G>T), located in coding exon 8 of the ETV6 gene, results from a G to T substitution at nucleotide position 1285. The glycine at codon 429 is replaced by cysteine, an amino acid with highly dissimilar properties. This amino acid position is conserved. In addition, this alteration is predicted to be deleterious by in silico analysis. Based on the available evidence, the clinical significance of this variant remains unclear.